The following is an entry in ClinVar:

NM_020937.4(FANCM):c.1882A>C (p.Met628Leu)

Gene: FANCM (FA complementation group M; plus strand). Cytogenetic location: 14q21.2.
Variant type: single nucleotide variant.
Coding change: c.1882A>C on transcript NM_020937.4 (MANE Select); coding-DNA position 1882, A replaced by C.
Protein change: p.Met628Leu; replaces methionine 628 with leucine.
Molecular consequence: missense variant.
Genome position (GRCh38, 1-based): chr14:45,167,043, A>C. VCF-style: chr14-45167043-A-C. GRCh37 (hg19) VCF-style: chr14-45636246-A-C.
Other names: c.1804A>C, p.Met602Leu (NM_001308133.2); c.1882A>C, p.Met628Leu (NM_001308134.2); short protein forms M602L, M628L.
Identifiers: ClinVar variation 951778 (VCV000951778.10), dbSNP rs1888029552, ClinGen allele CA389594974.
Genomic context (GRCh38, chr14:45,167,043, plus strand): 5'-ATATATAAAGCTATTTCAAGTAACAGGCAGGTCCTTCATTTTTACCAAAGAAGTCCACGA[A>C]TGGTTCCTGATGGAATCAACCCAAAATTACACAAAATGTTCATCACACATGGTGTCTATG-3'
Protein context (NP_065988.1, residues 618-638): VLHFYQRSPR[Met628Leu]VPDGINPKLH

ClinVar aggregate classification (germline): Uncertain significance. Review status: criteria provided, multiple submitters, no conflicts (2 of 4 stars). 2 submissions from 2 submitters: Uncertain significance (2). Last evaluated 2025-06-22.

Conditions:
Fanconi anemia (FA). Also called: Fanconi's anemia. Identifiers: Orphanet 84, MedGen C0015625, MeSH D005199, MONDO:0019391.
Inborn genetic diseases. Identifiers: MedGen C0950123, MeSH D030342.

gnomAD v4.1: 2 of 1,611,874 alleles (0.00012%); highest among the groups gnomAD compares: Non-Finnish European, 0.00017%; no homozygotes.

Submissions (2):

Ambry Genetics
Classification: Uncertain significance for Inborn genetic diseases. Last evaluated: 2025-06-22. Review status: criteria provided, single submitter. Criteria: Ambry Variant Classification Scheme 2023. Collection method: clinical testing. Allele origin: germline.
Comment: The p.M628L variant (also known as c.1882A>C), located in coding exon 11 of the FANCM gene, results from an A to C substitution at nucleotide position 1882. The methionine at codon 628 is replaced by leucine, an amino acid with highly similar properties. This amino acid position is conserved. In addition, the in silico prediction for this alteration is inconclusive. Based on the available evidence, the clinical significance of this variant remains unclear.

Labcorp Genetics (formerly Invitae), Labcorp
Classification: Uncertain significance for Fanconi anemia. Last evaluated: 2019-07-30. Review status: criteria provided, single submitter. Criteria: Invitae Variant Classification Sherloc (09022015). Collection method: clinical testing. Allele origin: germline.
Comment: This sequence change replaces methionine with leucine at codon 628 of the FANCM protein (p.Met628Leu). The methionine residue is highly conserved and there is a small physicochemical difference between methionine and leucine. This variant is not present in population databases (ExAC no frequency). This variant has not been reported in the literature in individuals with FANCM-related conditions. Algorithms developed to predict the effect of missense changes on protein structure and function (SIFT, PolyPhen-2, Align-GVGD) all suggest that this variant is likely to be tolerated, but these predictions have not been confirmed by published functional studies and their clinical significance is uncertain. In summary, the available evidence is currently insufficient to determine the role of this variant in disease. Therefore, it has been classified as a Variant of Uncertain Significance.